The following is an entry in ClinVar:

ClinVar aggregate classification (germline): Uncertain significance (1 of 4 stars; one submission).

Conditions:
Aspartylglucosaminuria (AGU). Also called: AGA DEFICIENCY; GLYCOASPARAGINASE; GLYCOSYLASPARAGINASE DEFICIENCY; Aspartylglucos-aminuria; Aspartylglucos-amidase (AGA) deficiency. Identifiers: Orphanet 93, MedGen C0268225, MONDO:0008830, OMIM 208400, HP:0012068.

Submission:

Labcorp Genetics (formerly Invitae), Labcorp
Classification: Uncertain significance for Aspartylglucosaminuria. Last evaluated: 2022-06-13. Review status: criteria provided, single submitter. Criteria: Invitae Variant Classification Sherloc (09022015). Collection method: clinical testing. Allele origin: germline.
Comment: In summary, the available evidence is currently insufficient to determine the role of this variant in disease. Therefore, it has been classified as a Variant of Uncertain Significance. Algorithms developed to predict the effect of missense changes on protein structure and function are either unavailable or do not agree on the potential impact of this missense change (SIFT: "Tolerated"; PolyPhen-2: "Probably Damaging"; Align-GVGD: "Class C0"). This variant has not been reported in the literature in individuals affected with AGA-related conditions. This variant is not present in population databases (gnomAD no frequency). This sequence change replaces glutamic acid, which is acidic and polar, with aspartic acid, which is acidic and polar, at codon 81 of the AGA protein (p.Glu81Asp).

NM_000027.4(AGA):c.243A>T (p.Glu81Asp)

Gene: AGA (aspartylglucosaminidase; minus strand). Cytogenetic location: 4q34.3.
Variant type: single nucleotide variant.
Coding change: c.243A>T on transcript NM_000027.4 (MANE Select); coding-DNA position 243, A replaced by T.
Protein change: p.Glu81Asp; replaces glutamic acid 81 with aspartic acid.
Molecular consequence: missense variant. On other transcripts: non-coding transcript variant (1).
Genome position (GRCh38, 1-based): chr4:177,440,311, T>A on the plus strand (A>T on the coding strand, the complement: AGA is on the minus strand). VCF-style: chr4-177440311-T-A. GRCh37 (hg19) VCF-style: chr4-178361465-T-A.
Other names: c.243A>T, p.Glu81Asp (NM_001171988.2); short protein forms E81D.
Identifiers: ClinVar variation 2005905 (VCV002005905.4), dbSNP rs1579045359, ClinGen allele CA358784197.